The following is an entry in ClinVar:

NM_001378454.1(ALMS1):c.4363G>A (p.Val1455Ile)

Gene: ALMS1 (ALMS1 centrosome and basal body associated protein; plus strand). Cytogenetic location: 2p13.1.
Variant type: single nucleotide variant.
Coding change: c.4363G>A on transcript NM_001378454.1 (MANE Select); coding-DNA position 4363, G replaced by A.
Protein change: p.Val1455Ile; replaces valine 1455 with isoleucine.
Molecular consequence: missense variant.
Genome position (GRCh38, 1-based): chr2:73,450,890, G>A. VCF-style: chr2-73450890-G-A. GRCh37 (hg19) VCF-style: chr2-73678017-G-A.
Other names: c.4366G>A, p.Val1456Ile (NM_015120.4); short protein forms V1455I, V1456I.
Identifiers: ClinVar variation 1419258 (VCV001419258.6), dbSNP rs1445707777, ClinGen allele CA347278389.

ClinVar aggregate classification (germline): Uncertain significance. Review status: criteria provided, multiple submitters, no conflicts (2 of 4 stars). 2 submissions from 2 submitters: Uncertain significance (2). Last evaluated 2024-09-29.

Conditions:
Cardiovascular phenotype. Identifiers: MedGen CN230736.
Alstrom syndrome (ALMS). Identifiers: Orphanet 64, MedGen C0268425, MONDO:0008763, OMIM 203800.

Allele frequency attached by ClinVar (database versions not stated): gnomAD exomes below 0.00001; TOPMed below 0.00001.
gnomAD v4.1: 3 of 1,613,964 alleles (0.00019%); highest among the groups gnomAD compares: African/African-American, 0.0027%; no homozygotes.

Submissions (2):

Labcorp Genetics (formerly Invitae), Labcorp
Classification: Uncertain significance for Alstrom syndrome. Last evaluated: 2024-09-29. Review status: criteria provided, single submitter. Criteria: Invitae Variant Classification Sherloc (09022015). Collection method: clinical testing. Allele origin: germline.
Comment: This sequence change replaces valine, which is neutral and non-polar, with isoleucine, which is neutral and non-polar, at codon 1456 of the ALMS1 protein (p.Val1456Ile). This variant is not present in population databases (gnomAD no frequency). This variant has not been reported in the literature in individuals affected with ALMS1-related conditions. ClinVar contains an entry for this variant (Variation ID: 1419258). An algorithm developed to predict the effect of missense changes on protein structure and function outputs the following: PolyPhen-2: "Not Available". The isoleucine amino acid residue is found in multiple mammalian species, which suggests that this missense change does not adversely affect protein function. In summary, the available evidence is currently insufficient to determine the role of this variant in disease. Therefore, it has been classified as a Variant of Uncertain Significance.

Ambry Genetics
Classification: Uncertain significance for Cardiovascular phenotype. Last evaluated: 2022-02-22. Review status: criteria provided, single submitter. Criteria: Ambry Variant Classification Scheme 2023. Collection method: clinical testing. Allele origin: germline.
Comment: The p.V1456I variant (also known as c.4366G>A), located in coding exon 8 of the ALMS1 gene, results from a G to A substitution at nucleotide position 4366. The valine at codon 1456 is replaced by isoleucine, an amino acid with highly similar properties. This amino acid position is not well conserved in available vertebrate species. In addition, this alteration is predicted to be tolerated by in silico analysis. Since supporting evidence is limited at this time, the clinical significance of this alteration remains unclear.